The following is an entry in ClinVar:

ClinVar aggregate classification (germline): Uncertain significance. Review status: criteria provided, multiple submitters, no conflicts (2 of 4 stars). 2 submissions from 2 submitters: Uncertain significance (2). Last evaluated 2024-06-10.

Conditions:
Inborn genetic diseases. Identifiers: MedGen C0950123, MeSH D030342.
Fetal akinesia deformation sequence 1 (FADS1). Also called: Pena-Shokeir syndrome type I; Fetal akinesia sequence. Identifiers: Orphanet 994, MedGen C1276035, MONDO:0100101, OMIM 208150, HP:0001989.
Congenital myasthenic syndrome 10. Also called: Myasthenia, limb-girdle, familial. Identifiers: Orphanet 590, MedGen C1850792, MONDO:0009690, OMIM 254300.

Allele frequency attached by ClinVar (database versions not stated): gnomAD exomes below 0.00001; TOPMed 0.00001.
gnomAD v4.1: 4 of 1,612,676 alleles (0.00025%); highest among the groups gnomAD compares: Non-Finnish European, 0.00034%; no homozygotes.

Submissions (2):

Ambry Genetics
Classification: Uncertain significance for Inborn genetic diseases. Last evaluated: 2024-06-10. Review status: criteria provided, single submitter. Criteria: Ambry Variant Classification Scheme 2023. Collection method: clinical testing. Allele origin: germline.

Labcorp Genetics (formerly Invitae), Labcorp
Classification: Uncertain significance for Congenital myasthenic syndrome 10; Fetal akinesia deformation sequence 1. Last evaluated: 2022-07-06. Review status: criteria provided, single submitter. Criteria: Invitae Variant Classification Sherloc (09022015). Collection method: clinical testing. Allele origin: germline.
Comment: This sequence change replaces aspartic acid, which is acidic and polar, with alanine, which is neutral and non-polar, at codon 274 of the DOK7 protein (p.Asp274Ala). This variant is not present in population databases (gnomAD no frequency). This variant has not been reported in the literature in individuals affected with DOK7-related conditions. ClinVar contains an entry for this variant (Variation ID: 839417). Algorithms developed to predict the effect of missense changes on protein structure and function are either unavailable or do not agree on the potential impact of this missense change (SIFT: "Deleterious"; PolyPhen-2: "Possibly Damaging"; Align-GVGD: "Class C0"). In summary, the available evidence is currently insufficient to determine the role of this variant in disease. Therefore, it has been classified as a Variant of Uncertain Significance.

NM_173660.5(DOK7):c.821A>C (p.Asp274Ala)

Gene: DOK7 (docking protein 7; plus strand). Cytogenetic location: 4p16.3.
Variant type: single nucleotide variant.
Coding change: c.821A>C on transcript NM_173660.5 (MANE Select); coding-DNA position 821, A replaced by C.
Protein change: p.Asp274Ala; replaces aspartic acid 274 with alanine.
Molecular consequence: missense variant. On other transcripts: 3 prime UTR variant (1), 5 prime UTR variant (1).
Genome position (GRCh38, 1-based): chr4:3,492,807, A>C. VCF-style: chr4-3492807-A-C. GRCh37 (hg19) VCF-style: chr4-3494534-A-C.
Other names: c.*42A>C (NM_001164673.2); c.-110A>C (NM_001256896.2); c.821A>C, p.Asp274Ala (NM_001301071.2); c.389A>C, p.Asp130Ala (NM_001363811.2); short protein forms D274A, D130A.
Identifiers: ClinVar variation 839417 (VCV000839417.8), dbSNP rs1372127333, ClinGen allele CA356115988.